The following is an entry in ClinVar:

GRCh37/hg19 1q21.1-21.2(chr1:146043714-148514899)x1

Genes: TRN-GTT2-7 (tRNA-Asn (anticodon GTT) 2-7; plus strand), NBPF11 (NBPF member 11; minus strand), NBPF12 (NBPF member 12; plus strand), PPIAL4D (peptidylprolyl isomerase A like 4D; minus strand), ACP6 (acid phosphatase 6, lysophosphatidic; minus strand) and 7 more. Cytogenetic location: 1q21.1-21.2.
Variant type: copy number loss.
Change: copy number 1 (one copy instead of two) of chr1:146,043,714-148,514,899 (2.47 Mb, GRCh37 coordinates, 1-based), cytogenetic band 1q21.1-21.2.
Identifiers: ClinVar variation 1340506 (VCV001340506.2).

ClinVar aggregate classification (germline): Pathogenic (1 of 4 stars; one submission).

Submission:

Quest Diagnostics Nichols Institute San Juan Capistrano
Classification: Pathogenic. Last evaluated: 2022-07-12. Review status: criteria provided, single submitter. Criteria: ACMG/ClinGen CNV Guidelines, 2019. Collection method: clinical testing. Allele origin: unknown.
Comment: This copy number loss involves multiple genes, and is associated with the 1q21.1 deletion syndrome (OMIM 612474). Inheritance from a normal or mildly affected parent has been reported, suggesting incomplete penetrance and variable expressivity. See GeneReviews for additional information and references.